The following is an entry in ClinVar:

NM_001330723.2(SNX27):c.921G>C (p.Lys307Asn)

Gene: SNX27 (sorting nexin 27; plus strand). Cytogenetic location: 1q21.3.
Variant type: single nucleotide variant.
Coding change: c.921G>C on transcript NM_001330723.2 (MANE Select); coding-DNA position 921, G replaced by C.
Protein change: p.Lys307Asn; replaces lysine 307 with asparagine.
Molecular consequence: missense variant.
Genome position (GRCh38, 1-based): chr1:151,665,947, G>C. VCF-style: chr1-151665947-G-C. GRCh37 (hg19) VCF-style: chr1-151638423-G-C.
Other names: c.921G>C, p.Lys307Asn (NM_030918.6); short protein forms K307N.
Identifiers: ClinVar variation 857644 (VCV000857644.13), dbSNP rs1670171559, ClinGen allele CA341963946.

ClinVar aggregate classification (germline): Uncertain significance (1 of 4 stars; one submission).

Conditions:
Severe myoclonic epilepsy in infancy (DRVT). Also called: SEVERE MYOCLONIC EPILEPSY OF INFANCY; DEVELOPMENTAL AND EPILEPTIC ENCEPHALOPATHY 6A; Severe Myoclonic Epilepsy in Infancy (SMEI); Dravet syndrome; Epileptic encephalopathy, early infantile, 6 (Dravet syndrome). Identifiers: Orphanet 33069, MedGen C0751122, MONDO:0100135, OMIM 607208.

Submission:

Labcorp Genetics (formerly Invitae), Labcorp
Classification: Uncertain significance for Severe myoclonic epilepsy in infancy. Last evaluated: 2022-01-15. Review status: criteria provided, single submitter. Criteria: Invitae Variant Classification Sherloc (09022015). Collection method: clinical testing. Allele origin: germline.
Comment: This sequence change replaces lysine, which is basic and polar, with asparagine, which is neutral and polar, at codon 307 of the SNX27 protein (p.Lys307Asn). This variant is not present in population databases (gnomAD no frequency). In summary, the available evidence is currently insufficient to determine the role of this variant in disease. Therefore, it has been classified as a Variant of Uncertain Significance. Algorithms developed to predict the effect of missense changes on protein structure and function are either unavailable or do not agree on the potential impact of this missense change (SIFT: "Tolerated"; PolyPhen-2: "Possibly Damaging"; Align-GVGD: "Class C0"). ClinVar contains an entry for this variant (Variation ID: 857644). This variant has not been reported in the literature in individuals affected with SNX27-related conditions.